The following is an entry in ClinVar:

NM_004380.3(CREBBP):c.3208A>C (p.Thr1070Pro)

Gene: CREBBP (CREB binding lysine acetyltransferase; minus strand). Cytogenetic location: 16p13.3.
Variant type: single nucleotide variant.
Coding change: c.3208A>C on transcript NM_004380.3 (MANE Select); coding-DNA position 3208, A replaced by C.
Protein change: p.Thr1070Pro; replaces threonine 1070 with proline.
Molecular consequence: missense variant.
Genome position (GRCh38, 1-based): chr16:3,767,762, T>G on the plus strand (A>C on the coding strand, the complement: CREBBP is on the minus strand). VCF-style: chr16-3767762-T-G. GRCh37 (hg19) VCF-style: chr16-3817763-T-G.
Other names: c.3094A>C, p.Thr1032Pro (NM_001079846.1); short protein forms T1032P, T1070P.
Identifiers: ClinVar variation 2573914 (VCV002573914.4), dbSNP rs2052891694, ClinGen allele CA394570510.

ClinVar aggregate classification (germline): Uncertain significance. Review status: criteria provided, multiple submitters, no conflicts (2 of 4 stars). 2 submissions from 2 submitters: Uncertain significance (2). Last evaluated 2023-11-28.

Conditions:
Rubinstein-Taybi syndrome (RSTS). Identifiers: Orphanet 783, MedGen C0035934, MONDO:0019188.

gnomAD v4.1: 2 of 1,614,146 alleles (0.00012%); highest among the groups gnomAD compares: African/African-American, 0.0027%; no homozygotes.

Submissions (2):

Labcorp Genetics (formerly Invitae), Labcorp
Classification: Uncertain significance for Rubinstein-Taybi syndrome. Last evaluated: 2023-11-28. Review status: criteria provided, single submitter. Criteria: Invitae Variant Classification Sherloc (09022015). Collection method: clinical testing. Allele origin: germline.
Comment: This sequence change replaces threonine, which is neutral and polar, with proline, which is neutral and non-polar, at codon 1070 of the CREBBP protein (p.Thr1070Pro). This variant is not present in population databases (gnomAD no frequency). This variant has not been reported in the literature in individuals affected with CREBBP-related conditions. ClinVar contains an entry for this variant (Variation ID: 2573914). Advanced modeling of protein sequence and biophysical properties (such as structural, functional, and spatial information, amino acid conservation, physicochemical variation, residue mobility, and thermodynamic stability) performed at Invitae indicates that this missense variant is not expected to disrupt CREBBP protein function with a negative predictive value of 95%. In summary, the available evidence is currently insufficient to determine the role of this variant in disease. Therefore, it has been classified as a Variant of Uncertain Significance.

GeneDx
Classification: Uncertain significance. Last evaluated: 2023-01-24. Review status: criteria provided, single submitter. Criteria: GeneDx Variant Classification Process June 2021. Collection method: clinical testing. Allele origin: germline. Affected: yes.
Comment: Not observed at significant frequency in large population cohorts (gnomAD); In silico analysis supports that this missense variant does not alter protein structure/function; Has not been previously published as pathogenic or benign to our knowledge